The following is an entry in ClinVar:

ClinVar aggregate classification (germline): Benign/Likely benign. Review status: criteria provided, multiple submitters, no conflicts (2 of 4 stars). 7 submissions from 6 submitters: Benign (3); Likely benign (4). Last evaluated 2026-01-05.

Conditions:
Type 2 collagenopathy. Identifiers: Orphanet 93421, MedGen C2931073, MONDO:0022800.
Stickler syndrome type 1 (STL1). Also called: COL2A1-Related Stickler Syndrome; ARTHROOPHTHALMOPATHY, HEREDITARY PROGRESSIVE; STICKLER SYNDROME, MEMBRANOUS VITREOUS TYPE; STICKLER SYNDROME, VITREOUS TYPE 1. Identifiers: Orphanet 828, Orphanet 90653, MedGen C2020284, MONDO:0007160, OMIM 108300.

Allele frequency attached by ClinVar (database versions not stated): ExAC 0.00056; ESP Exome Variant Server 0.00131; gnomAD 0.00141 and 0.00142; TOPMed 0.00156; 1000 Genomes Project 30x 0.00281; 1000 Genomes Project 0.00319.
gnomAD v4.1: 565 of 1,613,356 alleles (0.035%); highest among the groups gnomAD compares: African/African-American, 0.47%; 2 homozygotes.

Submissions (7):

Labcorp Genetics (formerly Invitae), Labcorp
Classification: Benign. Last evaluated: 2026-01-05. Review status: criteria provided, single submitter. Criteria: Invitae Variant Classification Sherloc (09022015). Collection method: clinical testing. Allele origin: germline.

Blueprint Genetics
Classification: Likely benign. Last evaluated: 2024-05-02. Review status: criteria provided, single submitter. Criteria: ACMG Guidelines, 2015. Collection method: clinical testing. Allele origin: germline.

CeGaT Center for Human Genetics Tuebingen
Classification: Benign. Last evaluated: 2022-07-01. Review status: criteria provided, single submitter. Criteria: CeGaT Center For Human Genetics Tuebingen Variant Classification Criteria Version 2. Collection method: clinical testing. Allele origin: germline. Affected: yes. Observed: 2 variant alleles.
Comment: COL2A1: BS1, BS2

GeneDx
Classification: Likely benign. Last evaluated: 2020-09-29. Review status: criteria provided, single submitter. Criteria: GeneDx Variant Classification Process June 2021. Collection method: clinical testing. Allele origin: germline. Affected: yes.

Illumina Laboratory Services, Illumina
Classification: Likely benign for Stickler syndrome type 1. Last evaluated: 2018-01-13. Review status: criteria provided, single submitter. Criteria: ICSL Variant Classification Criteria 13 December 2019. Collection method: clinical testing. Allele origin: germline.
Comment: This variant was observed in the ICSL laboratory as part of a predisposition screen in an ostensibly healthy population. It had not been previously curated by ICSL or reported in the Human Gene Mutation Database (HGMD: prior to June 1st, 2018), and was therefore a candidate for classification through an automated scoring system. Utilizing variant allele frequency, disease prevalence and penetrance estimates, and inheritance mode, an automated score was calculated to assess if this variant is too frequent to cause the disease. Based on the score and internal cut-off values, a variant classified as likely benign is not then subjected to further curation. The score for this variant resulted in a classification of likely benign for this disease.

Illumina Laboratory Services, Illumina
Classification: Benign for Type II Collagenopathies. Last evaluated: 2018-01-13. Review status: criteria provided, single submitter. Criteria: ICSL Variant Classification Criteria 13 December 2019. Collection method: clinical testing. Allele origin: germline.
Comment: This variant was observed in the ICSL laboratory as part of a predisposition screen in an ostensibly healthy population. It had not been previously curated by ICSL or reported in the Human Gene Mutation Database (HGMD: prior to June 1st, 2018), and was therefore a candidate for classification through an automated scoring system. Utilizing variant allele frequency, disease prevalence and penetrance estimates, and inheritance mode, an automated score was calculated to assess if this variant is too frequent to cause the disease. Based on the score and internal cut-off values, a variant classified as benign is not then subjected to further curation. The score for this variant resulted in a classification of benign for this disease.

Breakthrough Genomics
Classification: Likely benign. Review status: criteria provided, single submitter. Criteria: ACMG Guidelines, 2015. Collection method: not provided. Allele origin: germline. Inheritance: Autosomal dominant inheritance. Affected: yes.

NM_001844.5(COL2A1):c.2130C>T (p.Pro710=)

Gene: COL2A1 (collagen type II alpha 1 chain; minus strand). Cytogenetic location: 12q13.11.
Variant type: single nucleotide variant.
Coding change: c.2130C>T on transcript NM_001844.5 (MANE Select); coding-DNA position 2130, C replaced by T.
Protein change: p.Pro710=; no amino-acid change (proline 710 retained).
Molecular consequence: synonymous variant.
Genome position (GRCh38, 1-based): chr12:47,982,911, G>A on the plus strand (C>T on the coding strand, the complement: COL2A1 is on the minus strand). VCF-style: chr12-47982911-G-A. GRCh37 (hg19) VCF-style: chr12-48376694-G-A.
Other names: c.1923C>T, p.Pro641= (NM_033150.3).
Identifiers: ClinVar variation 515646 (VCV000515646.43), dbSNP rs35656892, ClinGen allele CA6535214.